The following is an entry in ClinVar:

NM_001972.4(ELANE):c.352A>G (p.Ile118Val)

Gene: ELANE (elastase, neutrophil expressed; plus strand). Cytogenetic location: 19p13.3.
Variant type: single nucleotide variant.
Coding change: c.352A>G on transcript NM_001972.4 (MANE Select); coding-DNA position 352, A replaced by G.
Protein change: p.Ile118Val; replaces isoleucine 118 with valine.
Molecular consequence: missense variant.
Genome position (GRCh38, 1-based): chr19:853,389, A>G. VCF-style: chr19-853389-A-G. GRCh37 (hg19) VCF-style: chr19-853389-A-G.
Other names: p.Ile118Val; short protein forms I118V.
Identifiers: ClinVar variation 1338207 (VCV001338207.13), dbSNP rs1382122842, ClinGen allele CA402916373.

ClinVar aggregate classification (germline): Uncertain significance. Review status: criteria provided, multiple submitters, no conflicts (2 of 4 stars). 5 submissions from 5 submitters: Uncertain significance (5). Last evaluated 2025-05-30.

Conditions:
ELANE-related disorder. Also called: ELANE-related condition.
Cyclical neutropenia. Also called: Cyclic Neutropenia; Cyclic hematopoiesis. Identifiers: Orphanet 2686, MedGen C0221023, MONDO:0008090, OMIM 162800, HP:0040289. Disease mechanism: loss of function.
Neutropenia, severe congenital, 1, autosomal dominant. Identifiers: MedGen C1859966, MONDO:0042490, OMIM 202700.

Allele frequency attached by ClinVar (database versions not stated): gnomAD 0.00001; gnomAD exomes 0.00001.
gnomAD v4.1: 16 of 1,609,352 alleles (0.00099%); highest among the groups gnomAD compares: Middle Eastern, 0.16%; 1 homozygote.

Submissions (5):

Labcorp Genetics (formerly Invitae), Labcorp
Classification: Uncertain significance for Neutropenia, severe congenital, 1, autosomal dominant; Cyclical neutropenia. Last evaluated: 2025-05-30. Review status: criteria provided, single submitter. Criteria: Invitae Variant Classification Sherloc (09022015). Collection method: clinical testing. Allele origin: germline.
Comment: This sequence change replaces isoleucine, which is neutral and non-polar, with valine, which is neutral and non-polar, at codon 118 of the ELANE protein (p.Ile118Val). This variant is present in population databases (no rsID available, gnomAD 0.007%). This variant has not been reported in the literature in individuals affected with ELANE-related conditions. ClinVar contains an entry for this variant (Variation ID: 1338207). Invitae Evidence Modeling of protein sequence and biophysical properties (such as structural, functional, and spatial information, amino acid conservation, physicochemical variation, residue mobility, and thermodynamic stability) indicates that this missense variant is not expected to disrupt ELANE protein function with a negative predictive value of 95%. In summary, the available evidence is currently insufficient to determine the role of this variant in disease. Therefore, it has been classified as a Variant of Uncertain Significance.

Blueprint Genetics
Classification: Uncertain significance. Last evaluated: 2024-11-05. Review status: criteria provided, single submitter. Criteria: ACMG Guidelines, 2015. Collection method: clinical testing. Allele origin: germline.

PreventionGenetics, part of Exact Sciences
Classification: Uncertain significance for ELANE-related condition. Last evaluated: 2022-12-14. Review status: criteria provided, single submitter. Criteria: ACMG Guidelines, 2015. Collection method: clinical testing. Allele origin: germline.
Comment: The ELANE c.352A>G variant is predicted to result in the amino acid substitution p.Ile118Val. To our knowledge, this variant has not been reported in the literature. A different substitution of the same amino acid residue defined as p.Ile118Asn (see I118N in Makaryan et al. 2015. PubMed ID: 25427142) has been reported in association with severe congenital neutropenia, however it is unclear if it is a cause of disease. The c.352A>G (p.Ile118Val) variant is reported in 0.0065% of alleles in individuals of European (Non-Finnish) descent in gnomAD. At this time, the clinical significance of this variant is uncertain due to the absence of conclusive functional and genetic evidence.

Mayo Clinic Laboratories, Mayo Clinic
Classification: Uncertain significance. Last evaluated: 2022-04-28. Review status: criteria provided, single submitter. Criteria: ACMG Guidelines, 2015. Collection method: clinical testing. Allele origin: germline. Observed: 2 variant alleles.

Genetic Services Laboratory, University of Chicago
Classification: Uncertain significance. Last evaluated: 2021-12-23. Review status: criteria provided, single submitter. Criteria: ACMG Guidelines, 2015. Collection method: clinical testing. Allele origin: germline. Affected: no.
Comment: This sequence change does not appear to have been previously described in individuals with ELANE-related disorders. This sequence change has been described in the gnomAD database in one heterozygous individual which corresponds to a population frequency of 0.0032% (dbSNP rs1382122842). The p.Ile118Val change affects a highly conserved amino acid residue located in a domain of the ELANE protein that is known to be functional. The p.Ile118Val substitution appears to be benign using several in-silico pathogenicity prediction tools (SIFT, PolyPhen2, Align GVGD, REVEL). Due to insufficient evidence and the lack of functional studies, the clinical significance of the p.Ile118Val change remains unknown at this time.

Literature cited by the submitters: PubMed 23463630 (cited by Mayo Clinic Laboratories, Mayo Clinic).